The following is an entry in ClinVar:

ClinVar aggregate classification (germline): Likely benign (1 of 4 stars; one submission).

Submission:

CeGaT Center for Human Genetics Tuebingen
Classification: Likely benign. Last evaluated: 2025-04-01. Review status: criteria provided, single submitter. Criteria: CeGaT Center For Human Genetics Tuebingen Variant Classification Criteria Version 2. Collection method: clinical testing. Allele origin: germline. Affected: yes. Observed: 1 variant allele.
Comment: MYH6: PM2:Supporting, BP4, BP7

NM_002471.4(MYH6):c.5076C>A (p.Ala1692=)

Genes: MYH6 (myosin heavy chain 6; minus strand), LOC126861896 (BRD4-independent group 4 enhancer GRCh37_chr14:23854904-23856103; plus strand). Cytogenetic location: 14q11.2.
Variant type: single nucleotide variant.
Coding change: c.5076C>A on transcript NM_002471.4 (MANE Select); coding-DNA position 5076, C replaced by A.
Protein change: p.Ala1692=; no amino-acid change (alanine 1692 retained).
Molecular consequence: synonymous variant.
Genome position (GRCh38, 1-based): chr14:23,386,015, G>T on the plus strand (C>A on the coding strand, the complement: MYH6 is on the minus strand). VCF-style: chr14-23386015-G-T. GRCh37 (hg19) VCF-style: chr14-23855224-G-T.
Identifiers: ClinVar variation 3898447 (VCV003898447.7).